The following is an entry in ClinVar:

NC_000003.11:g.(?_183894782)_(183901404_?)dup

Gene: AP2M1 (adaptor related protein complex 2 subunit mu 1; plus strand). Cytogenetic location: 3q27.1.
Variant type: Duplication.
Identifiers: ClinVar variation 3246994 (VCV003246994.1).

ClinVar aggregate classification (germline): Uncertain significance (1 of 4 stars; one submission).

Submission:

Labcorp Genetics (formerly Invitae), Labcorp
Classification: Uncertain significance. Last evaluated: 2023-11-07. Review status: criteria provided, single submitter. Criteria: Invitae Variant Classification Sherloc (09022015). Collection method: clinical testing. Allele origin: unknown.
Comment: A copy number gain of the genomic region encompassing the full coding sequence of the AP2M1 gene has been identified. The boundaries of this event are unknown as they extend beyond the assayed region for this gene and therefore may encompass additional genes. As the precise location of this event is unknown, it may be in tandem or it may be located elsewhere in the genome. This variant has not been reported in the literature in individuals affected with AP2M1-related conditions. In summary, the available evidence is currently insufficient to determine the role of this variant in disease. Therefore, it has been classified as a Variant of Uncertain Significance.